The following is an entry in ClinVar:

ClinVar aggregate classification (germline): Pathogenic (1 of 4 stars; one submission).

Submission:

Labcorp Genetics (formerly Invitae), Labcorp
Classification: Pathogenic. Last evaluated: 2022-09-01. Review status: criteria provided, single submitter. Criteria: Invitae Variant Classification Sherloc (09022015). Collection method: clinical testing. Allele origin: germline.
Comment: For these reasons, this variant has been classified as Pathogenic. This variant disrupts a region of the NR2F1 protein in which other variant(s) (p.Arg373*) have been determined to be pathogenic (PMID: 32275123). This suggests that this is a clinically significant region of the protein, and that variants that disrupt it are likely to be disease-causing. Variants that disrupt the consensus splice site are a relatively common cause of aberrant splicing (PMID: 17576681, 9536098). Algorithms developed to predict the effect of sequence changes on RNA splicing suggest that this variant may disrupt the consensus splice site. This variant has not been reported in the literature in individuals affected with NR2F1-related conditions. This variant is not present in population databases (gnomAD no frequency). This sequence change affects a donor splice site in intron 2 of the NR2F1 gene. While this variant is not anticipated to result in nonsense mediated decay, it likely alters RNA splicing and results in a disrupted protein product.

Literature cited by the submitters: PubMed 32275123; PubMed 17576681; PubMed 9536098.

NM_005654.6(NR2F1):c.991+2T>A

Gene: NR2F1 (nuclear receptor subfamily 2 group F member 1; plus strand). Cytogenetic location: 5q15.
Variant type: single nucleotide variant.
Coding change: c.991+2T>A on transcript NM_005654.6 (MANE Select); the canonical splice donor site of the intron after coding-DNA position 991, T replaced by A.
Molecular consequence: splice donor variant.
Genome position (GRCh38, 1-based): chr5:93,588,446, T>A. VCF-style: chr5-93588446-T-A. GRCh37 (hg19) VCF-style: chr5-92924152-T-A.
Other names: c.541+2T>A (NM_001410754.1).
Identifiers: ClinVar variation 2042153 (VCV002042153.4), dbSNP rs2480809312, ClinGen allele CA360527542.